The following is an entry in ClinVar:

ClinVar aggregate classification (germline): Uncertain significance. Review status: criteria provided, multiple submitters, no conflicts (2 of 4 stars). 3 submissions from 3 submitters: Uncertain significance (3). Last evaluated 2024-01-08.

Conditions:
GRHL3-related disorder. Also called: GRHL3-related condition.
Inborn genetic diseases. Identifiers: MedGen C0950123, MeSH D030342.

Allele frequency attached by ClinVar (database versions not stated): ExAC 0.00001; gnomAD 0.00001; TOPMed 0.00001.
gnomAD v4.1: 10 of 1,614,030 alleles (0.00062%); highest among the groups gnomAD compares: East Asian, 0.0022%; no homozygotes.

Submissions (3):

Ambry Genetics
Classification: Uncertain significance for Inborn genetic diseases. Last evaluated: 2024-01-08. Review status: criteria provided, single submitter. Criteria: Ambry Variant Classification Scheme 2023. Collection method: clinical testing. Allele origin: germline.

PreventionGenetics, part of Exact Sciences
Classification: Uncertain significance for GRHL3-related condition. Last evaluated: 2023-01-18. Review status: criteria provided, single submitter. Criteria: ACMG Guidelines, 2015. Collection method: clinical testing. Allele origin: germline.
Comment: The GRHL3 c.116C>T variant is predicted to result in the amino acid substitution p.Pro39Leu. To our knowledge, this variant has not been reported in the literature. This variant is reported in 0.0033% of alleles in individuals of South Asian descent in gnomAD. At this time, the clinical significance of this variant is uncertain due to the absence of conclusive functional and genetic evidence.

Blueprint Genetics
Classification: Uncertain significance. Last evaluated: 2020-10-14. Review status: criteria provided, single submitter. Criteria: ACMG Guidelines, 2015. Collection method: clinical testing. Allele origin: germline.

NM_198173.3(GRHL3):c.116C>T (p.Pro39Leu)

Gene: GRHL3 (grainyhead like transcription factor 3; plus strand). Cytogenetic location: 1p36.11.
Variant type: single nucleotide variant.
Coding change: c.116C>T on transcript NM_198173.3 (MANE Select); coding-DNA position 116, C replaced by T.
Protein change: p.Pro39Leu; replaces proline 39 with leucine.
Molecular consequence: missense variant. On other transcripts: 5 prime UTR variant (1).
Genome position (GRCh38, 1-based): chr1:24,331,524, C>T. VCF-style: chr1-24331524-C-T. GRCh37 (hg19) VCF-style: chr1-24658014-C-T.
Other names: c.-23C>T (NM_001195010.2); c.131C>T, p.Pro44Leu (NM_021180.4); c.116C>T, p.Pro39Leu (NM_198174.3); c.116C>T (NM_198174.2); short protein forms P39L, P44L.
Identifiers: ClinVar variation 2629634 (VCV002629634.3), dbSNP rs759937117, ClinGen allele CA689803.